The following is an entry in ClinVar:

ClinVar aggregate classification (germline): Uncertain significance. Review status: reviewed by expert panel (3 of 4 stars). 5 submissions from 5 submitters: Uncertain significance (1). 4 of the submissions do not count toward it. Last evaluated 2022-09-20.

Conditions:
ACADVL-related disorder. Also called: ACADVL-related condition.
Very long chain acyl-CoA dehydrogenase deficiency (ACADVLD). Also called: VLCAD Deficiency; Very Long-Chain Acyl-Coenzyme A Dehydrogenase Deficiency. Identifiers: Orphanet 26793, MedGen C3887523, MONDO:0008723, OMIM 201475.

Allele frequency attached by ClinVar (database versions not stated): ExAC 0.00001; gnomAD 0.00001; gnomAD exomes 0.00001.
gnomAD v4.1: 4 of 1,613,354 alleles (0.00025%); highest among the groups gnomAD compares: Non-Finnish European, 0.00034%; no homozygotes.

Submissions (5):

ClinGen ACADVL Variant Curation Expert Panel, ClinGen
Classification: Uncertain significance for Very long chain acyl-CoA dehydrogenase deficiency. Last evaluated: 2022-09-20. Review status: reviewed by expert panel. Criteria: clingen acadvl acmg specifications v1. Collection method: curation. Allele origin: germline. Inheritance: Autosomal recessive inheritance.
Comment: The c.476A>G (p.Gln159Arg) variant in ACADVL is a missense in exon 6. This variant has been reported once as a heterozygote associated with very-long chain acyl-CoA dehydrogenase deficiency (PP4; PMID: 9973285). The highest population minor allele frequency in gnomAD is 0.00003 in the European non-Finnish population, which is lower than the ClinGen ACADVL Variant Curation Expert Panel threshold (<0.001) meeting this criterion (PM2_Supporting). The computational predictor REVEL gives a score of 0.90, which is above the threshold of 0.75, evidence that correlates with impact to ACADVL function (PP3). There is however insufficient experimental or case data identified in the literature for this variant and is therefore classified as a VUS. (ACADVL-specific ACMG/AMP criteria applied: PP4; PM2_supporting; PP3).

PreventionGenetics, part of Exact Sciences
Classification: Uncertain significance for ACADVL-related condition. Last evaluated: 2025-07-19. Review status: criteria provided, single submitter. Criteria: ACMG Guidelines, 2015. Collection method: clinical testing. Allele origin: germline. Not counted in ClinVar's aggregate classification.
Comment: The ACADVL c.476A>G variant is predicted to result in the amino acid substitution p.Gln159Arg. This variant was reported in the heterozygous state in an individual with features of very long chain acyl-CoA dehydrogenase deficiency. It's unclear if a second variant was detected in that patient (Andresen et al. 1999. PubMed ID: 9973285). This variant is reported in 0.0031% of alleles in individuals of European (Non-Finnish) descent in gnomAD and has been classified as variant of uncertain significance by the ClinGen ACADVL Variant Curation Expert Panel. At this time, the clinical significance of this variant is uncertain due to the absence of conclusive functional and genetic evidence.

Laboratory of Medical Genetics, National & Kapodistrian University of Athens
Classification: Pathogenic for Very long chain acyl-CoA dehydrogenase deficiency. Last evaluated: 2023-10-02. Review status: criteria provided, single submitter. Criteria: ACMG Guidelines, 2015. Collection method: clinical testing. Allele origin: germline. Affected: yes. Not counted in ClinVar's aggregate classification.
Comment: PM1, PM2, PM3, PP2, PP3, PP5 - The variant has been reported in ClinVar by other laboratories (Variation ID 932787). Low frequency in gnomAD population databases. In silico prediction tools estimated that the variant could be damaging for the protein function/stracture. It was detected in trans with another pathogenic variant.

Labcorp Genetics (formerly Invitae), Labcorp
Classification: Uncertain significance for Very long chain acyl-CoA dehydrogenase deficiency. Last evaluated: 2022-03-14. Review status: criteria provided, single submitter. Criteria: Invitae Variant Classification Sherloc (09022015). Collection method: clinical testing. Allele origin: germline. Not counted in ClinVar's aggregate classification.
Comment: This sequence change replaces glutamine, which is neutral and polar, with arginine, which is basic and polar, at codon 159 of the ACADVL protein (p.Gln159Arg). This variant is present in population databases (rs746688190, gnomAD 0.003%). This missense change has been observed in individual(s) with very long chain acyl-CoA dehydrogenase (VLCAD) deficiency (PMID: 25456746). This variant is also known as Q119R. ClinVar contains an entry for this variant (Variation ID: 932787). Algorithms developed to predict the effect of missense changes on protein structure and function (SIFT, PolyPhen-2, Align-GVGD) all suggest that this variant is likely to be disruptive. Algorithms developed to predict the effect of sequence changes on RNA splicing suggest that this variant may disrupt the consensus splice site. In summary, the available evidence is currently insufficient to determine the role of this variant in disease. Therefore, it has been classified as a Variant of Uncertain Significance.

Wong Mito Lab, Molecular and Human Genetics, Baylor College of Medicine
Classification: Pathogenic for Very long chain acyl-CoA dehydrogenase deficiency. Last evaluated: 2019-11-01. Review status: criteria provided, single submitter. Criteria: ACMG Guidelines, 2015. Collection method: clinical testing. Allele origin: germline. Not counted in ClinVar's aggregate classification.
Comment: The NM_000018.3:c.476A>G (NP_000009.1:p.Gln159Arg) [GRCH38: NC_000017.11:g.7221057A>G] variant in ACADVL gene is interpretated to be Pathogenic based on ACMG guidelines (PMID: 25741868). This variant has been reported in PMID: 9973285. This variant meets the following evidence codes reported in the ACMG guidelines: PS1, PS3

Literature cited by the submitters: PubMed 25456746 (cited by Labcorp Genetics (formerly Invitae), Labcorp); PubMed 9973285 (cited by Wong Mito Lab, Molecular and Human Genetics, Baylor College of Medicine).

NM_000018.4(ACADVL):c.476A>G (p.Gln159Arg)

Gene: ACADVL (acyl-CoA dehydrogenase very long chain; plus strand). Cytogenetic location: 17p13.1.
Variant type: single nucleotide variant.
Coding change: c.476A>G on transcript NM_000018.4 (MANE Select); coding-DNA position 476, A replaced by G.
Protein change: p.Gln159Arg; replaces glutamine 159 with arginine.
Molecular consequence: missense variant.
Genome position (GRCh38, 1-based): chr17:7,221,057, A>G. VCF-style: chr17-7221057-A-G. GRCh37 (hg19) VCF-style: chr17-7124376-A-G.
Other names: NM_000018.4(ACADVL):c.476A>G; p.Gln159Arg; c.410A>G, p.Gln137Arg (NM_001033859.3); c.545A>G, p.Gln182Arg (NM_001270447.2); c.248A>G, p.Gln83Arg (NM_001270448.2); short protein forms Q159R, Q137R, Q83R, Q182R.
Identifiers: ClinVar variation 932787 (VCV000932787.7), dbSNP rs746688190, ClinGen allele CA8337704.
Genomic context (GRCh38, chr17:7,221,057, plus strand): 5'-TGGGGGCCTTTGGTCTGCAAGTGCCCAGTGAGCTGGGTGGTGTGGGCCTTTGCAACACCC[A>G]GGTGAGGGCGCCCTATCGCCACATCCCAGTATGCCATACCCCAGCTTGGCAGACTCAGCT-3'
Protein context (NP_000009.1, residues 149-169): ELGGVGLCNT[Gln159Arg]YARLVEIVGM